The following is an entry in ClinVar:

NM_013246.3(CLCF1):c.119T>C (p.Ile40Thr)

Genes: CLCF1 (cardiotrophin like cytokine factor 1; minus strand), LOC100130987 (uncharacterized LOC100130987; plus strand). Cytogenetic location: 11q13.2.
Variant type: single nucleotide variant.
Coding change: c.119T>C on transcript NM_013246.3 (MANE Select); coding-DNA position 119, T replaced by C.
Protein change: p.Ile40Thr; replaces isoleucine 40 with threonine.
Molecular consequence: missense variant.
Genome position (GRCh38, 1-based): chr11:67,367,524, A>G on the plus strand (T>C on the coding strand, the complement: CLCF1 is on the minus strand). VCF-style: chr11-67367524-A-G. GRCh37 (hg19) VCF-style: chr11-67134995-A-G.
Other names: c.89T>C, p.Ile30Thr (NM_001166212.2); short protein forms I30T, I40T.
Identifiers: ClinVar variation 4687432 (VCV004687432.1).

ClinVar aggregate classification (germline): Uncertain significance (1 of 4 stars; one submission).

Submission:

Women's Health and Genetics/Laboratory Corporation of America, LabCorp
Classification: Uncertain significance. Last evaluated: 2025-10-09. Review status: criteria provided, single submitter. Criteria: LabCorp Variant Classification Summary - May 2015. Collection method: clinical testing. Allele origin: germline.
Comment: Variant summary: CLCF1 c.119T>C (p.Ile40Thr) results in a non-conservative amino acid change in the encoded protein sequence. Algorithms developed to predict the effect of missense changes on protein structure and function are either unavailable or do not agree on the potential impact of this missense change. The frequency data for this variant in gnomAD is considered unreliable, as metrics indicate poor data quality at this position. To our knowledge, no occurrence of c.119T>C in individuals affected with CLCF1-related conditions and no experimental evidence demonstrating its impact on protein function have been reported. No submitters have cited clinical-significance assessments for this variant to ClinVar. Based on the evidence outlined above, the variant was classified as uncertain significance.